The following is an entry in ClinVar:

ClinVar aggregate classification (germline): Benign (1 of 4 stars; one submission).

Allele frequency attached by ClinVar (database versions not stated): TOPMed 0.39466; gnomAD 0.39468 and 0.39499; 1000 Genomes Project 0.41953; 1000 Genomes Project 30x 0.42052.
gnomAD v4.1: 59,979 of 152,072 alleles (39%); highest among the groups gnomAD compares: African/African-American, 50%; 12,262 homozygotes.

Submission:

GeneDx
Classification: Benign. Last evaluated: 2020-04-27. Review status: criteria provided, single submitter. Criteria: GeneDx Variant Classification Process June 2021. Collection method: clinical testing. Allele origin: germline. Affected: yes.
Comment: This variant is associated with the following publications: (PMID: 31904144)

NM_001114122.3(CHEK1):c.66-160A>G

Gene: CHEK1 (checkpoint kinase 1; plus strand). Cytogenetic location: 11q24.2.
Variant type: single nucleotide variant.
Coding change: c.66-160A>G on transcript NM_001114122.3 (MANE Select); 160 bases into the intron before coding-DNA position 66, A replaced by G.
Molecular consequence: intron variant.
Genome position (GRCh38, 1-based): chr11:125,627,447, A>G. VCF-style: chr11-125627447-A-G. GRCh37 (hg19) VCF-style: chr11-125497342-A-G.
Other names: c.66-160A>G (NM_001114121.2, NM_001244846.1, NM_001274.5); c.-15+614A>G (NM_001330427.2); c.7+614A>G (NM_001330428.1).
Identifiers: ClinVar variation 1243629 (VCV001243629.2), dbSNP rs492510, ClinGen allele CA13494491.